The following is an entry in ClinVar:

NC_000002.11:g.(?_62991401)_(64335444_?)dup

Genes: OTX1 (orthodenticle homeobox 1; plus strand), PELI1 (pellino E3 ubiquitin protein ligase 1; minus strand), UGP2 (UDP-glucose pyrophosphorylase 2; plus strand), VPS54 (VPS54 subunit of GARP complex; minus strand), MDH1 (malate dehydrogenase 1; plus strand) and 2 more. Cytogenetic location: 2p15-14.
Variant type: Duplication.
Identifiers: ClinVar variation 1062698 (VCV001062698.2).

ClinVar aggregate classification (germline): Uncertain significance (1 of 4 stars; one submission).

Conditions:
Bardet-Biedl syndrome (BBS). Identifiers: Orphanet 110, MedGen C0752166, MONDO:0015229.

Submission:

Labcorp Genetics (formerly Invitae), Labcorp
Classification: Uncertain significance for Bardet-Biedl syndrome. Last evaluated: 2022-02-03. Review status: criteria provided, single submitter. Criteria: Invitae Variant Classification Sherloc (09022015). Collection method: clinical testing. Allele origin: germline.
Comment: A copy number gain of the genomic region encompassing the full coding sequence of the WDPCP gene has been identified. The boundaries of this event are unknown as they extend beyond the assayed region for this gene and therefore may encompass additional genes. As the precise location of this event is unknown, it may be in tandem or it may be located elsewhere in the genome. This variant has not been reported in the literature in individuals affected with WDPCP-related conditions. In summary, the available evidence is currently insufficient to determine the role of this variant in disease. Therefore, it has been classified as a Variant of Uncertain Significance.